The following is an entry in ClinVar:

ClinVar aggregate classification (germline): Uncertain significance (1 of 4 stars; one submission).

Conditions:
Childhood absence epilepsy. Identifiers: Orphanet 64280, MedGen C4281785, MONDO:0010826.

Allele frequency attached by ClinVar (database versions not stated): 1000 Genomes Project 0.00060; 1000 Genomes Project 30x 0.00062; TOPMed 0.00083; ExAC 0.00088; gnomAD 0.00088 and 0.00093; gnomAD exomes 0.00091 and 0.00160; ESP Exome Variant Server 0.00123.

Submission:

Labcorp Genetics (formerly Invitae), Labcorp
Classification: Uncertain significance for Childhood absence epilepsy. Last evaluated: 2021-08-28. Review status: criteria provided, single submitter. Criteria: Invitae Variant Classification Sherloc (09022015). Collection method: clinical testing. Allele origin: germline.
Comment: This sequence change replaces glutamine with histidine at codon 85 of the GABRA6 protein (p.Gln85His). The glutamine residue is highly conserved and there is a small physicochemical difference between glutamine and histidine. This variant is present in population databases (rs115069685, ExAC 0.1%). This variant has not been reported in the literature in individuals affected with GABRA6-related conditions. Algorithms developed to predict the effect of missense changes on protein structure and function are either unavailable or do not agree on the potential impact of this missense change (SIFT: "Deleterious"; PolyPhen-2: "Possibly Damaging"; Align-GVGD: "Class C0"). In summary, the available evidence is currently insufficient to determine the role of this variant in disease. Therefore, it has been classified as a Variant of Uncertain Significance.

NM_000811.3(GABRA6):c.255G>C (p.Gln85His)

Genes: GABRA6 (gamma-aminobutyric acid type A receptor subunit alpha6; plus strand), GABRA6-AS1 (GABRA6 antisense RNA 1; minus strand). Cytogenetic location: 5q34.
Variant type: single nucleotide variant.
Coding change: c.255G>C on transcript NM_000811.3 (MANE Select); coding-DNA position 255, G replaced by C.
Protein change: p.Gln85His; replaces glutamine 85 with histidine.
Molecular consequence: missense variant.
Genome position (GRCh38, 1-based): chr5:161,688,978, G>C. VCF-style: chr5-161688978-G-C. GRCh37 (hg19) VCF-style: chr5-161115984-G-C.
Other names: short protein forms Q85H.
Identifiers: ClinVar variation 644592 (VCV000644592.7), dbSNP rs115069685, ClinGen allele CA3543837.